The following is an entry in ClinVar:

NM_005413.4(SIX3):c.172G>T (p.Gly58Cys)

Gene: SIX3 (SIX homeobox 3; plus strand). Cytogenetic location: 2p21.
Variant type: single nucleotide variant.
Coding change: c.172G>T on transcript NM_005413.4 (MANE Select); coding-DNA position 172, G replaced by T.
Protein change: p.Gly58Cys; replaces glycine 58 with cysteine.
Molecular consequence: missense variant.
Genome position (GRCh38, 1-based): chr2:44,942,276, G>T. VCF-style: chr2-44942276-G-T. GRCh37 (hg19) VCF-style: chr2-45169415-G-T.
Other names: short protein forms G58C.
Identifiers: ClinVar variation 2726899 (VCV002726899.3), dbSNP rs753628024, ClinGen allele CA1642277.

ClinVar aggregate classification (germline): Uncertain significance (1 of 4 stars; one submission).

Conditions:
Holoprosencephaly 2 (HPE2). Identifiers: Orphanet 2162, MedGen C1834877, MONDO:0007999, OMIM 157170.

Allele frequency attached by ClinVar (database versions not stated): gnomAD 0.00001; TOPMed 0.00001; ExAC 0.00003; gnomAD exomes 0.00003.
gnomAD v4.1: 48 of 1,539,328 alleles (0.0031%); highest among the groups gnomAD compares: Non-Finnish European, 0.0037%; no homozygotes.

Submission:

Labcorp Genetics (formerly Invitae), Labcorp
Classification: Uncertain significance for Holoprosencephaly 2. Last evaluated: 2023-06-09. Review status: criteria provided, single submitter. Criteria: Invitae Variant Classification Sherloc (09022015). Collection method: clinical testing. Allele origin: germline.
Comment: In summary, the available evidence is currently insufficient to determine the role of this variant in disease. Therefore, it has been classified as a Variant of Uncertain Significance. Advanced modeling of protein sequence and biophysical properties (such as structural, functional, and spatial information, amino acid conservation, physicochemical variation, residue mobility, and thermodynamic stability) performed at Invitae indicates that this missense variant is not expected to disrupt SIX3 protein function. This variant has not been reported in the literature in individuals affected with SIX3-related conditions. This variant is present in population databases (rs753628024, gnomAD 0.007%). This sequence change replaces glycine, which is neutral and non-polar, with cysteine, which is neutral and slightly polar, at codon 58 of the SIX3 protein (p.Gly58Cys).